The following is an entry in ClinVar:

NM_020442.6(VARS2):c.2752G>C (p.Ala918Pro)

Gene: VARS2 (valyl-tRNA synthetase 2, mitochondrial; plus strand). Cytogenetic location: 6p21.33.
Variant type: single nucleotide variant.
Coding change: c.2752G>C on transcript NM_020442.6 (MANE Select); coding-DNA position 2752, G replaced by C.
Protein change: p.Ala918Pro; replaces alanine 918 with proline.
Molecular consequence: missense variant.
Genome position (GRCh38, 1-based): chr6:30,925,352, G>C. VCF-style: chr6-30925352-G-C. GRCh37 (hg19) VCF-style: chr6-30893129-G-C.
Other names: c.2332G>C, p.Ala778Pro (NM_001167733.3); c.2842G>C, p.Ala948Pro (NM_001167734.2); short protein forms A948P, A778P, A918P.
Identifiers: ClinVar variation 1358531 (VCV001358531.8), dbSNP rs2150570430, ClinGen allele CA363177494.

ClinVar aggregate classification (germline): Uncertain significance (1 of 4 stars; one submission).

Submission:

Labcorp Genetics (formerly Invitae), Labcorp
Classification: Uncertain significance. Last evaluated: 2022-11-22. Review status: criteria provided, single submitter. Criteria: Invitae Variant Classification Sherloc (09022015). Collection method: clinical testing. Allele origin: germline.
Comment: In summary, the available evidence is currently insufficient to determine the role of this variant in disease. Therefore, it has been classified as a Variant of Uncertain Significance. Advanced modeling of protein sequence and biophysical properties (such as structural, functional, and spatial information, amino acid conservation, physicochemical variation, residue mobility, and thermodynamic stability) performed at Invitae indicates that this missense variant is not expected to disrupt VARS2 protein function. ClinVar contains an entry for this variant (Variation ID: 1358531). This variant has not been reported in the literature in individuals affected with VARS2-related conditions. This variant is not present in population databases (gnomAD no frequency). This sequence change replaces alanine, which is neutral and non-polar, with proline, which is neutral and non-polar, at codon 948 of the VARS2 protein (p.Ala948Pro).